The following is an entry in ClinVar:

ClinVar aggregate classification (germline): Uncertain significance (1 of 4 stars; one submission).

Conditions:
Norman-Roberts syndrome (LIS2). Also called: Lissencephaly 2 (Norman-Roberts type). Identifiers: Orphanet 89844, MedGen C0796089, MONDO:0009760, OMIM 257320.
Familial temporal lobe epilepsy 7. Identifiers: Orphanet 101046, MedGen C4225327, MONDO:0014639, OMIM 616436.

Allele frequency attached by ClinVar (database versions not stated): ExAC 0.00001.

Submission:

Labcorp Genetics (formerly Invitae), Labcorp
Classification: Uncertain significance for Familial temporal lobe epilepsy 7; Norman-Roberts syndrome. Last evaluated: 2023-02-28. Review status: criteria provided, single submitter. Criteria: Invitae Variant Classification Sherloc (09022015). Collection method: clinical testing. Allele origin: germline.
Comment: In summary, the available evidence is currently insufficient to determine the role of this variant in disease. Therefore, it has been classified as a Variant of Uncertain Significance. Advanced modeling of protein sequence and biophysical properties (such as structural, functional, and spatial information, amino acid conservation, physicochemical variation, residue mobility, and thermodynamic stability) performed at Invitae indicates that this missense variant is not expected to disrupt RELN protein function. ClinVar contains an entry for this variant (Variation ID: 1965575). This variant has not been reported in the literature in individuals affected with RELN-related conditions. This variant is present in population databases (rs752841369, gnomAD 0.0009%). This sequence change replaces glycine, which is neutral and non-polar, with cysteine, which is neutral and slightly polar, at codon 63 of the RELN protein (p.Gly63Cys).

NM_005045.4(RELN):c.187G>T (p.Gly63Cys)

Gene: RELN (reelin; minus strand). Cytogenetic location: 7q22.1.
Variant type: single nucleotide variant.
Coding change: c.187G>T on transcript NM_005045.4 (MANE Select); coding-DNA position 187, G replaced by T.
Protein change: p.Gly63Cys; replaces glycine 63 with cysteine.
Molecular consequence: missense variant.
Genome position (GRCh38, 1-based): chr7:103,989,170, C>A on the plus strand (G>T on the coding strand, the complement: RELN is on the minus strand). VCF-style: chr7-103989170-C-A. GRCh37 (hg19) VCF-style: chr7-103629617-C-A.
Other names: c.187G>T, p.Gly63Cys (NM_173054.3); short protein forms G63C.
Identifiers: ClinVar variation 1965575 (VCV001965575.5), dbSNP rs752841369, ClinGen allele CA4422706.
Genomic context (GRCh38, chr7:103,989,170, plus strand): 5'-CGGAGGTGCTGCGGTACCTACCATGGTATTCTTGTCCCGGAACGTAGTAGGTGGGGTTGC[C>A]CGCAATATGCAGGGAAATGAGCACCTCGCCCTGCTCCCCATCCCCTTCCAGCTCCCCGTG-3'
Protein context (NP_005036.2, residues 53-73): GEVLISLHIA[Gly63Cys]NPTYYVPGQE